The following is an entry in ClinVar:

ClinVar aggregate classification (germline): Uncertain significance (0 of 4 stars; one submission).

Conditions:
PLCG1-related disorder. Also called: PLCG1-related condition.

Submission:

PreventionGenetics, part of Exact Sciences
Classification: Uncertain significance for PLCG1-related condition. Last evaluated: 2024-02-29. Review status: no assertion criteria provided. Collection method: clinical testing. Allele origin: germline.
Comment: The PLCG1 c.1903C>G variant is predicted to result in the amino acid substitution p.Leu635Val. To our knowledge, this variant has not been reported in the literature or in a large population database, indicating this variant is rare. At this time, the clinical significance of this variant is uncertain due to the absence of conclusive functional and genetic evidence.

NM_002660.3(PLCG1):c.1903C>G (p.Leu635Val)

Gene: PLCG1 (phospholipase C gamma 1; plus strand). Cytogenetic location: 20q12.
Variant type: single nucleotide variant.
Coding change: c.1903C>G on transcript NM_002660.3 (MANE Select); coding-DNA position 1903, C replaced by G.
Protein change: p.Leu635Val; replaces leucine 635 with valine.
Molecular consequence: missense variant.
Genome position (GRCh38, 1-based): chr20:41,166,297, C>G. VCF-style: chr20-41166297-C-G. GRCh37 (hg19) VCF-style: chr20-39794937-C-G.
Other names: c.1903C>G, p.Leu635Val (NM_182811.2); short protein forms L635V.
Identifiers: ClinVar variation 3049849 (VCV003049849.2), dbSNP rs2515563874, ClinGen allele CA409027556.